The following is an entry in ClinVar:

NM_021072.4(HCN1):c.703A>G (p.Ile235Val)

Gene: HCN1 (hyperpolarization activated cyclic nucleotide gated potassium channel 1; minus strand). Cytogenetic location: 5p12.
Variant type: single nucleotide variant.
Coding change: c.703A>G on transcript NM_021072.4 (MANE Select); coding-DNA position 703, A replaced by G.
Protein change: p.Ile235Val; replaces isoleucine 235 with valine.
Molecular consequence: missense variant.
Genome position (GRCh38, 1-based): chr5:45,645,331, T>C on the plus strand (A>G on the coding strand, the complement: HCN1 is on the minus strand). VCF-style: chr5-45645331-T-C. GRCh37 (hg19) VCF-style: chr5-45645433-T-C.
Other names: c.703A>G (NM_021072.3); short protein forms I235V.
Identifiers: ClinVar variation 1350715 (VCV001350715.10), dbSNP rs377021158, ClinGen allele CA118324607.

ClinVar aggregate classification (germline): Uncertain significance. Review status: criteria provided, multiple submitters, no conflicts (2 of 4 stars). 2 submissions from 2 submitters: Uncertain significance (2). Last evaluated 2025-05-05.

Conditions:
Early-infantile DEE. Also called: Early infantile epileptic encephalopathy with suppression bursts; Ohtahara syndrome; Early infantile epileptic encephalopathy. Identifiers: Orphanet 1934, MedGen C0393706, MONDO:0800491.
Inborn genetic diseases. Identifiers: MedGen C0950123, MeSH D030342.

Allele frequency attached by ClinVar (database versions not stated): ESP Exome Variant Server 0.00008; gnomAD 0.00001; gnomAD exomes below 0.00001; TOPMed 0.00002.
gnomAD v4.1: 7 of 1,613,546 alleles (0.00043%); highest among the groups gnomAD compares: Admixed American, 0.0033%; no homozygotes.

Submissions (2):

Ambry Genetics
Classification: Uncertain significance for Inborn genetic diseases. Last evaluated: 2025-05-05. Review status: criteria provided, single submitter. Criteria: Ambry Variant Classification Scheme 2023. Collection method: clinical testing. Allele origin: germline.

Labcorp Genetics (formerly Invitae), Labcorp
Classification: Uncertain significance for Early-infantile DEE. Last evaluated: 2024-02-22. Review status: criteria provided, single submitter. Criteria: Invitae Variant Classification Sherloc (09022015). Collection method: clinical testing. Allele origin: germline.
Comment: This sequence change replaces isoleucine, which is neutral and non-polar, with valine, which is neutral and non-polar, at codon 235 of the HCN1 protein (p.Ile235Val). This variant is present in population databases (rs377021158, gnomAD 0.0009%). This variant has not been reported in the literature in individuals affected with HCN1-related conditions. ClinVar contains an entry for this variant (Variation ID: 1350715). Advanced modeling of protein sequence and biophysical properties (such as structural, functional, and spatial information, amino acid conservation, physicochemical variation, residue mobility, and thermodynamic stability) performed at Invitae indicates that this missense variant is not expected to disrupt HCN1 protein function with a negative predictive value of 80%. In summary, the available evidence is currently insufficient to determine the role of this variant in disease. Therefore, it has been classified as a Variant of Uncertain Significance.